The following is an entry in ClinVar:

NM_004484.4(GPC3):c.235G>T (p.Glu79Ter)

Gene: GPC3 (glypican 3; minus strand). Cytogenetic location: Xq26.2.
Variant type: single nucleotide variant.
Coding change: c.235G>T on transcript NM_004484.4 (MANE Select); coding-DNA position 235, G replaced by T.
Protein change: p.Glu79Ter; replaces glutamic acid 79 with a stop codon.
Molecular consequence: nonsense. On other transcripts: intron variant (1).
Genome position (GRCh38, 1-based): chrX:133,953,152, C>A on the plus strand (G>T on the coding strand, the complement: GPC3 is on the minus strand). VCF-style: chrX-133953152-C-A. GRCh37 (hg19) VCF-style: chrX-133087179-C-A.
Other names: c.235G>T, p.Glu79Ter (NM_001164617.2, NM_001164618.2); c.175+32123G>T (NM_001164619.2); short protein forms E79*.
Identifiers: ClinVar variation 3368410 (VCV003368410.1).

ClinVar aggregate classification (germline): Pathogenic (1 of 4 stars; one submission).

Submission:

GeneDx
Classification: Pathogenic. Last evaluated: 2024-01-29. Review status: criteria provided, single submitter. Criteria: GeneDx Variant Classification Process June 2021. Collection method: clinical testing. Allele origin: germline. Affected: yes.
Comment: Nonsense variant predicted to result in protein truncation or nonsense mediated decay in a gene for which loss of function is a known mechanism of disease; Not observed at significant frequency in large population cohorts (gnomAD); This variant is associated with the following publications: (PMID: 36066546)